The following is an entry in ClinVar:

NM_017763.6(RNF43):c.688-11C>T

Gene: RNF43 (ring finger protein 43; minus strand). Cytogenetic location: 17q22.
Variant type: single nucleotide variant.
Coding change: c.688-11C>T on transcript NM_017763.6 (MANE Select); 11 bases into the intron before coding-DNA position 688, C replaced by T.
Molecular consequence: intron variant.
Genome position (GRCh38, 1-based): chr17:58,360,955, G>A on the plus strand (C>T on the coding strand, the complement: RNF43 is on the minus strand). VCF-style: chr17-58360955-G-A. GRCh37 (hg19) VCF-style: chr17-56438316-G-A.
Other names: c.688-11C>T (NM_001438822.1, NM_001305544.3, NM_001438820.1 and 1 more transcripts); c.307-11C>T (NM_001305545.2, NM_001437987.1).
Identifiers: ClinVar variation 4875745 (VCV004875745.1).

ClinVar aggregate classification (germline): Likely benign (1 of 4 stars; one submission).

Conditions:
Sessile serrated polyposis cancer syndrome (SSPCS). Identifiers: Orphanet 157798, MedGen C4310714, MONDO:0014919, OMIM 617108.

gnomAD v4.1: 1 of 1,549,136 alleles (0.000065%); highest among the groups gnomAD compares: East Asian, 0.0023%; no homozygotes.

Submission:

Myriad Genetics, Inc.
Classification: Likely benign for Sessile serrated polyposis cancer syndrome. Last evaluated: 2026-06-26. Review status: criteria provided, single submitter. Criteria: Myriad Autosomal Dominant, Autosomal Recessive and X-Linked Classification Criteria (2023). Collection method: clinical testing. Allele origin: unknown.
Comment: This variant is considered likely benign. This variant is intronic and is not expected to impact mRNA splicing.